The following is an entry in ClinVar:

ClinVar aggregate classification (germline): Uncertain significance (1 of 4 stars; one submission).

Conditions:
Tumor predisposition syndrome 3 (TPDS3). Also called: Melanoma, cutaneous malignant, susceptibility to, 10; LONG TELOMERE SYNDROME, POT1-RELATED; POT1 Tumor Predisposition; Glioma susceptibility 9. Identifiers: Orphanet 618, MedGen C4014476, MONDO:0014368, OMIM 615848.

Allele frequency attached by ClinVar (database versions not stated): gnomAD exomes below 0.00001.
gnomAD v4.1: 1 of 1,613,914 alleles (0.000062%); highest among the groups gnomAD compares: South Asian, 0.0011%; no homozygotes.

Submission:

Labcorp Genetics (formerly Invitae), Labcorp
Classification: Uncertain significance for Tumor predisposition syndrome 3. Last evaluated: 2023-04-07. Review status: criteria provided, single submitter. Criteria: Invitae Variant Classification Sherloc (09022015). Collection method: clinical testing. Allele origin: germline.
Comment: This variant is not present in population databases (gnomAD no frequency). This sequence change replaces proline, which is neutral and non-polar, with glutamine, which is neutral and polar, at codon 146 of the POT1 protein (p.Pro146Gln). This variant has not been reported in the literature in individuals affected with POT1-related conditions. In summary, the available evidence is currently insufficient to determine the role of this variant in disease. Therefore, it has been classified as a Variant of Uncertain Significance. Advanced modeling of protein sequence and biophysical properties (such as structural, functional, and spatial information, amino acid conservation, physicochemical variation, residue mobility, and thermodynamic stability) performed at Invitae indicates that this missense variant is not expected to disrupt POT1 protein function.

NM_015450.3(POT1):c.437C>A (p.Pro146Gln)

Gene: POT1 (protection of telomeres 1; minus strand). Cytogenetic location: 7q31.33.
Variant type: single nucleotide variant.
Coding change: c.437C>A on transcript NM_015450.3 (MANE Select); coding-DNA position 437, C replaced by A.
Protein change: p.Pro146Gln; replaces proline 146 with glutamine.
Molecular consequence: missense variant. On other transcripts: non-coding transcript variant (3).
Genome position (GRCh38, 1-based): chr7:124,863,459, G>T on the plus strand (C>A on the coding strand, the complement: POT1 is on the minus strand). VCF-style: chr7-124863459-G-T. GRCh37 (hg19) VCF-style: chr7-124503513-G-T.
Other names: c.44C>A, p.Pro15Gln (NM_001042594.2); short protein forms P146Q, P15Q.
Identifiers: ClinVar variation 2802294 (VCV002802294.3), dbSNP rs1554426915, ClinGen allele CA369059303.
Genomic context (GRCh38, chr7:124,863,459, plus strand): 5'-CAAGTCAGGTCAAAATACTGCATTGGCTGAACATCACACAATTTTAGTAATGTCCAAGAC[G>T]GTGACATATGAGTAGATGCCCAAACACGTAAGGCTTCTACCATTTTGTGGTCCTCAGTAG-3'
Protein context (NP_056265.2, residues 136-156): LRVWASTHMS[Pro146Gln]SWTLLKLCDV